The following is an entry in ClinVar:

ClinVar aggregate classification (germline): Uncertain significance. Review status: criteria provided, multiple submitters, no conflicts (2 of 4 stars). 3 submissions from 3 submitters: Uncertain significance (3). Last evaluated 2025-07-08.

Conditions:
Hereditary cancer-predisposing syndrome. Also called: Tumor predisposition; Hereditary neoplastic syndrome; Neoplastic Syndromes, Hereditary; Hereditary Cancer Syndrome. Identifiers: Orphanet 140162, MedGen C0027672, MeSH D009386, MONDO:0015356.
Colorectal cancer, susceptibility to, 12 (CRCS12). Also called: COLORECTAL CANCER, SUSCEPTIBILITY TO, ON CHROMOSOME 12q24. Identifiers: Orphanet 220460, MedGen C3554460, MONDO:0014038, OMIM 615083.

Allele frequency attached by ClinVar (database versions not stated): gnomAD exomes below 0.00001.
gnomAD v4.1: 1 of 1,613,972 alleles (0.000062%); highest among the groups gnomAD compares: Admixed American, 0.0017%; no homozygotes.

Submissions (3):

Labcorp Genetics (formerly Invitae), Labcorp
Classification: Uncertain significance. Last evaluated: 2025-07-08. Review status: criteria provided, single submitter. Criteria: Invitae Variant Classification Sherloc (09022015). Collection method: clinical testing. Allele origin: germline.
Comment: This sequence change replaces threonine, which is neutral and polar, with isoleucine, which is neutral and non-polar, at codon 2067 of the POLE protein (p.Thr2067Ile). This variant is present in population databases (no rsID available, gnomAD 0.003%). This variant has not been reported in the literature in individuals affected with POLE-related conditions. ClinVar contains an entry for this variant (Variation ID: 2065646). Invitae Evidence Modeling of protein sequence and biophysical properties (such as structural, functional, and spatial information, amino acid conservation, physicochemical variation, residue mobility, and thermodynamic stability) indicates that this missense variant is not expected to disrupt POLE protein function with a negative predictive value of 80%. In summary, the available evidence is currently insufficient to determine the role of this variant in disease. Therefore, it has been classified as a Variant of Uncertain Significance.

Ambry Genetics
Classification: Uncertain significance for Hereditary cancer-predisposing syndrome. Last evaluated: 2025-03-28. Review status: criteria provided, single submitter. Criteria: Ambry Variant Classification Scheme 2023. Collection method: clinical testing. Allele origin: germline.

St. Jude Molecular Pathology, St. Jude Children's Research Hospital
Classification: Uncertain significance for Colorectal cancer, susceptibility to, 12. Last evaluated: 2022-11-30. Review status: criteria provided, single submitter. Criteria: St. Jude Assertion Criteria 2020. Collection method: clinical testing. Allele origin: germline.
Comment: The POLE c.6200C>T (p.Thr2067Ile) missense change has a maximum subpopulation frequency of 0.0029% in gnomAD v2.1.1. The in silico tool REVEL predicts a benign effect on protein function, but to our knowledge this prediction has not been confirmed by functional studies. To our knowledge, this variant has not been reported in the literature in individuals with POLE-related disease. In summary, the evidence currently available is insufficient to determine the clinical significance of this variant. It has therefore been classified as of uncertain significance.

NM_006231.4(POLE):c.6200C>T (p.Thr2067Ile)

Gene: POLE (DNA polymerase epsilon, catalytic subunit; minus strand). Cytogenetic location: 12q24.33.
Variant type: single nucleotide variant.
Coding change: c.6200C>T on transcript NM_006231.4 (MANE Select); coding-DNA position 6200, C replaced by T.
Protein change: p.Thr2067Ile; replaces threonine 2067 with isoleucine.
Molecular consequence: missense variant.
Genome position (GRCh38, 1-based): chr12:132,632,445, G>A on the plus strand (C>T on the coding strand, the complement: POLE is on the minus strand). VCF-style: chr12-132632445-G-A. GRCh37 (hg19) VCF-style: chr12-133209031-G-A.
Other names: c.6200C>T (NM_006231.2); short protein forms T2067I.
Identifiers: ClinVar variation 2065646 (VCV002065646.6), dbSNP rs1178060619, ClinGen allele CA387369754.